The following is an entry in ClinVar:

ClinVar aggregate classification (germline): Likely benign. Review status: criteria provided, multiple submitters, no conflicts (2 of 4 stars). 7 submissions from 7 submitters: Likely benign (7). Last evaluated 2026-01-19.

Conditions:
Cardiovascular phenotype. Identifiers: MedGen CN230736.
Catecholaminergic polymorphic ventricular tachycardia (CVPT). Also called: Catecholamine-induced polymorphic ventricular tachycardia. Identifiers: Orphanet 3286, MedGen C5574922, MONDO:0017990.
Catecholaminergic polymorphic ventricular tachycardia 1. Also called: RYR2-Related Catecholaminergic Polymorphic Ventricular Tachycardia; VENTRICULAR TACHYCARDIA, STRESS-INDUCED POLYMORPHIC 1; VENTRICULAR TACHYCARDIA, CATECHOLAMINERGIC POLYMORPHIC, 1, WITH OR WITHOUT ATRIAL DYSFUNCTION AND/OR DILATED CARDIOMYOPATHY. Identifiers: Orphanet 3286, MedGen C1631597, MONDO:0011484, OMIM 604772.
Cardiomyopathy (CMYO). Also called: Cardiomyopathies. Identifiers: Orphanet 167848, MedGen C0878544, MONDO:0004994, HP:0001638. Inheritance: Various modes of inheritance.

Allele frequency attached by ClinVar (database versions not stated): ExAC 0.00001; gnomAD 0.00002; gnomAD exomes 0.00002 and 0.00008; TOPMed 0.00003.
gnomAD v4.1: 111 of 1,612,722 alleles (0.0069%); highest among the groups gnomAD compares: Non-Finnish European, 0.009%; no homozygotes.

Submissions (7):

Labcorp Genetics (formerly Invitae), Labcorp
Classification: Likely benign for Catecholaminergic polymorphic ventricular tachycardia 1. Last evaluated: 2026-01-19. Review status: criteria provided, single submitter. Criteria: Invitae Variant Classification Sherloc (09022015). Collection method: clinical testing. Allele origin: germline.

All of Us Research Program, National Institutes of Health
Classification: Likely benign for Catecholaminergic polymorphic ventricular tachycardia. Last evaluated: 2023-12-13. Review status: criteria provided, single submitter. Criteria: ACMG Guidelines, 2015. Collection method: clinical testing. Allele origin: germline. Inheritance: Autosomal dominant inheritance. Observed: 9 variant alleles, 9 heterozygotes.
Comment: This study involves interpretation of variants in research participants for the purpose of population health screening. Participant phenotype was not available at the time of variant classification. Additional details can be found in publication PMID: 35346344, PMCID: PMC8962531

Ambry Genetics
Classification: Likely benign for Cardiovascular phenotype. Last evaluated: 2020-07-06. Review status: criteria provided, single submitter. Criteria: Ambry Variant Classification Scheme 2023. Collection method: clinical testing. Allele origin: germline.

CHEO Genetics Diagnostic Laboratory, Children's Hospital of Eastern Ontario
Classification: Likely benign for Cardiomyopathy. Last evaluated: 2019-12-10. Review status: criteria provided, single submitter. Criteria: ACMG Guidelines, 2015. Collection method: clinical testing. Allele origin: germline.

Color Diagnostics, LLC DBA Color Health
Classification: Likely benign for Cardiomyopathy. Last evaluated: 2019-02-21. Review status: criteria provided, single submitter. Criteria: ACMG Guidelines, 2015. Collection method: clinical testing. Allele origin: germline.

GeneDx
Classification: Likely benign. Last evaluated: 2018-05-30. Review status: criteria provided, single submitter. Criteria: GeneDx Variant Classification (06012015). Collection method: clinical testing. Allele origin: germline. Affected: yes.
Comment: This variant is considered likely benign or benign based on one or more of the following criteria: it is a conservative change, it occurs at a poorly conserved position in the protein, it is predicted to be benign by multiple in silico algorithms, and/or has population frequency not consistent with disease.

Laboratory for Molecular Medicine, Mass General Brigham Personalized Medicine
Classification: Likely benign. Last evaluated: 2012-03-19. Review status: criteria provided, single submitter. Criteria: LMM Criteria. Collection method: clinical testing. Allele origin: germline. Observed: 2 variant alleles.
Comment: Val4319Val in exon 90 of RYR2: This variant is not expected to have clinical sig nificance because it does not alter an amino acid residue and is not located wit hin the splice consensus sequence. It has been identified in 1/6664 European Ame rican chromosomes from a broad population by the NHLBI Exome Sequencing Project.

NM_001035.3(RYR2):c.12957C>T (p.Val4319=)

Genes: RYR2 (ryanodine receptor 2; plus strand), LOC126806068 (BRD4-independent group 4 enhancer GRCh37_chr1:237947411-237948610; plus strand). Cytogenetic location: 1q43.
Variant type: single nucleotide variant.
Coding change: c.12957C>T on transcript NM_001035.3 (MANE Select); coding-DNA position 12957, C replaced by T.
Protein change: p.Val4319=; no amino-acid change (valine 4319 retained).
Molecular consequence: synonymous variant.
Genome position (GRCh38, 1-based): chr1:237,784,669, C>T. VCF-style: chr1-237784669-C-T. GRCh37 (hg19) VCF-style: chr1-237947969-C-T.
Identifiers: ClinVar variation 178126 (VCV000178126.24), dbSNP rs727504438, ClinGen allele CA007768.